The following is an entry in ClinVar:

ClinVar aggregate classification (germline): Pathogenic (1 of 4 stars; one submission).

Conditions:
Birt-Hogg-Dube syndrome. Also called: Birt Hogg Dubé syndrome. Identifiers: Orphanet 122, MedGen C0346010, MONDO:0800444.

Submission:

Myriad Genetics, Inc.
Classification: Pathogenic for Birt-Hogg-Dube syndrome 1. Last evaluated: 2023-04-06. Review status: criteria provided, single submitter. Criteria: Myriad Autosomal Dominant, Autosomal Recessive and X-Linked Classification Criteria (2023). Collection method: clinical testing. Allele origin: unknown.
Comment: This variant is considered pathogenic. This variant creates a frameshift predicted to result in premature protein truncation.

NM_144997.7(FLCN):c.1029_1030insGCAGCCCCGGAATCTG (p.Pro344fs)

Gene: FLCN (folliculin; minus strand). Cytogenetic location: 17p11.2.
Variant type: Insertion.
Coding change: c.1029_1030insGCAGCCCCGGAATCTG on transcript NM_144997.7 (MANE Select); coding-DNA positions 1029 to 1030, GCAGCCCCGGAATCTG inserted.
Protein change: p.Pro344fs; shifts the reading frame from proline 344.
Molecular consequence: frameshift variant.
Genome position: GRCh38 VCF-style: chr17-17219051-G-GCAGATTCCGGGGCTGC. GRCh37 (hg19) VCF-style: chr17-17122365-G-GCAGATTCCGGGGCTGC.
Other names: c.1083_1084insGCAGCCCCGGAATCTG, p.Pro362fs (NM_001353229.2); c.1029_1030insGCAGCCCCGGAATCTG, p.Pro344fs (NM_001353230.2, NM_001353231.2); short protein forms P344fs, P362fs.
Identifiers: ClinVar variation 2573264 (VCV002573264.1), dbSNP rs2544193597, ClinGen allele CA2576185527.